The following is an entry in ClinVar:

ClinVar aggregate classification (germline): Uncertain significance (1 of 4 stars; one submission).

Submission:

Labcorp Genetics (formerly Invitae), Labcorp
Classification: Uncertain significance. Last evaluated: 2026-01-15. Review status: criteria provided, single submitter. Criteria: Invitae Variant Classification Sherloc (09022015). Collection method: clinical testing. Allele origin: germline.
Comment: This sequence change replaces valine, which is neutral and non-polar, with leucine, which is neutral and non-polar, at codon 2471 of the KMT2A protein (p.Val2471Leu). This variant is not present in population databases (gnomAD no frequency). This variant has not been reported in the literature in individuals affected with KMT2A-related conditions. Invitae Evidence Modeling of protein sequence and biophysical properties (such as structural, functional, and spatial information, amino acid conservation, physicochemical variation, residue mobility, and thermodynamic stability) indicates that this missense variant is not expected to disrupt KMT2A protein function with a negative predictive value of 95%. In summary, the available evidence is currently insufficient to determine the role of this variant in disease. Therefore, it has been classified as a Variant of Uncertain Significance.

NM_001197104.2(KMT2A):c.7411G>C (p.Val2471Leu)

Gene: KMT2A (lysine methyltransferase 2A; plus strand). Cytogenetic location: 11q23.3.
Variant type: single nucleotide variant.
Coding change: c.7411G>C on transcript NM_001197104.2 (MANE Select); coding-DNA position 7411, G replaced by C.
Protein change: p.Val2471Leu; replaces valine 2471 with leucine.
Molecular consequence: missense variant.
Genome position (GRCh38, 1-based): chr11:118,503,303, G>C. VCF-style: chr11-118503303-G-C. GRCh37 (hg19) VCF-style: chr11-118374018-G-C.
Other names: c.7501G>C, p.Val2501Leu (NM_001412597.1); c.7402G>C, p.Val2468Leu (NM_005933.4); short protein forms V2468L, V2471L, V2501L.
Identifiers: ClinVar variation 4800557 (VCV004800557.1).